The following is an entry in ClinVar:

NM_032492.4(JAGN1):c.111C>G (p.Ile37Met)

Gene: JAGN1 (jagunal vesicle mediated transporter 1; plus strand). Cytogenetic location: 3p25.3.
Variant type: single nucleotide variant.
Coding change: c.111C>G on transcript NM_032492.4 (MANE Select); coding-DNA position 111, C replaced by G.
Protein change: p.Ile37Met; replaces isoleucine 37 with methionine.
Molecular consequence: missense variant. On other transcripts: 5 prime UTR variant (1).
Genome position (GRCh38, 1-based): chr3:9,892,936, C>G. VCF-style: chr3-9892936-C-G. GRCh37 (hg19) VCF-style: chr3-9934620-C-G.
Other names: c.-52C>G (NM_001363890.1); short protein forms I37M.
Identifiers: ClinVar variation 1371122 (VCV001371122.6), dbSNP rs1215307853, ClinGen allele CA351713925.

ClinVar aggregate classification (germline): Uncertain significance (1 of 4 stars; one submission).

Conditions:
Autosomal recessive severe congenital neutropenia due to JAGN1 deficiency. Also called: Severe congenital neutropenia 6, autosomal recessive. Identifiers: Orphanet 423384, MedGen C4014954, MONDO:0014456, OMIM 616022.

Submission:

Labcorp Genetics (formerly Invitae), Labcorp
Classification: Uncertain significance for Autosomal recessive severe congenital neutropenia due to JAGN1 deficiency. Last evaluated: 2024-01-15. Review status: criteria provided, single submitter. Criteria: Invitae Variant Classification Sherloc (09022015). Collection method: clinical testing. Allele origin: germline.
Comment: This sequence change replaces isoleucine, which is neutral and non-polar, with methionine, which is neutral and non-polar, at codon 37 of the JAGN1 protein (p.Ile37Met). This variant is not present in population databases (gnomAD no frequency). This variant has not been reported in the literature in individuals affected with JAGN1-related conditions. ClinVar contains an entry for this variant (Variation ID: 1371122). An algorithm developed to predict the effect of missense changes on protein structure and function (PolyPhen-2) suggests that this variant is likely to be tolerated. In summary, the available evidence is currently insufficient to determine the role of this variant in disease. Therefore, it has been classified as a Variant of Uncertain Significance.